The following is an entry in ClinVar:

ClinVar aggregate classification (germline): Uncertain significance (1 of 4 stars; one submission).

Conditions:
Hereditary cancer-predisposing syndrome. Also called: Neoplastic Syndromes, Hereditary; Tumor predisposition; Hereditary Cancer Syndrome; Hereditary neoplastic syndrome. Identifiers: Orphanet 140162, MedGen C0027672, MeSH D009386, MONDO:0015356.

Submission:

Ambry Genetics
Classification: Uncertain significance for Hereditary cancer-predisposing syndrome. Last evaluated: 2025-11-17. Review status: criteria provided, single submitter. Criteria: Ambry Variant Classification Scheme 2023. Collection method: clinical testing. Allele origin: germline.
Comment: The p.T483P variant (also known as c.1447A>C), located in coding exon 14 of the POLE gene, results from an A to C substitution at nucleotide position 1447. The threonine at codon 483 is replaced by proline, an amino acid with highly similar properties. This amino acid position is conserved. In addition, this alteration is predicted to be deleterious by in silico analysis. Based on the available evidence, the clinical significance of this variant remains unclear.

NM_006231.4(POLE):c.1447A>C (p.Thr483Pro)

Gene: POLE (DNA polymerase epsilon, catalytic subunit; minus strand). Cytogenetic location: 12q24.33.
Variant type: single nucleotide variant.
Coding change: c.1447A>C on transcript NM_006231.4 (MANE Select); coding-DNA position 1447, A replaced by C.
Protein change: p.Thr483Pro; replaces threonine 483 with proline.
Molecular consequence: missense variant.
Genome position (GRCh38, 1-based): chr12:132,673,190, T>G on the plus strand (A>C on the coding strand, the complement: POLE is on the minus strand). VCF-style: chr12-132673190-T-G. GRCh37 (hg19) VCF-style: chr12-133249776-T-G.
Other names: short protein forms T483P.
Identifiers: ClinVar variation 4672447 (VCV004672447.1).
Genomic context (GRCh38, chr12:132,673,190, plus strand): 5'-AGGCCAGGGTGCCGACAGGACAGATAATGCTCACCTCGTCGGGCTCCATGGGAATAATGG[T>G]GCACAGAGCAAAGATGAATGGGTGGACGTACTTCATGTACAGGTAGTAAGTGGCGACAGC-3'
Protein context (NP_006222.2, residues 473-493): YVHPFIFALC[Thr483Pro]IIPMEPDEVL